The following is an entry in ClinVar:

ClinVar aggregate classification (germline): Uncertain significance (1 of 4 stars; one submission).

Conditions:
Neuroblastoma, susceptibility to, 3. Also called: ALK-Related Neuroblastic Tumor Susceptibility. Identifiers: Orphanet 635, MedGen C2751681, MONDO:0013083, OMIM 613014.

Submission:

Labcorp Genetics (formerly Invitae), Labcorp
Classification: Uncertain significance for Neuroblastoma, susceptibility to, 3. Last evaluated: 2022-05-04. Review status: criteria provided, single submitter. Criteria: Invitae Variant Classification Sherloc (09022015). Collection method: clinical testing. Allele origin: germline.
Comment: In summary, the available evidence is currently insufficient to determine the role of this variant in disease. Therefore, it has been classified as a Variant of Uncertain Significance. This variant results in a copy number gain of the genomic region encompassing exon(s) 5-11 of the ALK gene. While the exact position of this variant cannot be determined from the data, sub-genic copy number gains are generally in tandem (PMID: 25640679). This variant is predicted to be out-of-frame, and may result in an absent or disrupted protein product. However, the current clinical and genetic evidence is not sufficient to establish whether loss-of-function variants in ALK cause disease. This variant has not been reported in the literature in individuals affected with ALK-related conditions.

Literature cited by the submitters: PubMed 25640679.

NC_000002.11:g.(?_29497955)_(29606735_?)dup

Gene: ALK (ALK receptor tyrosine kinase; minus strand). Cytogenetic location: 2p23.2.
Variant type: Duplication.
Identifiers: ClinVar variation 1374784 (VCV001374784.5).